The following is an entry in ClinVar:

ClinVar aggregate classification (germline): Uncertain significance (1 of 4 stars; one submission).

gnomAD v4.1: 1 of 1,611,896 alleles (0.000062%); highest among the groups gnomAD compares: Admixed American, 0.0017%; no homozygotes.

Submission:

Ambry Genetics
Classification: Uncertain significance. Last evaluated: 2026-01-22. Review status: criteria provided, single submitter. Criteria: Ambry Variant Classification Scheme 2023. Collection method: clinical testing. Allele origin: germline.
Comment: The p.C321R variant (also known as c.961T>C), located in coding exon 8 of the RECQL gene, results from a T to C substitution at nucleotide position 961. The cysteine at codon 321 is replaced by arginine, an amino acid with highly dissimilar properties. This amino acid position is conserved. In addition, this alteration is predicted to be deleterious by in silico analysis. Based on the available evidence, the clinical significance of this variant remains unclear.

NM_002907.4(RECQL):c.961T>C (p.Cys321Arg)

Gene: RECQL (RecQ like helicase; minus strand). Cytogenetic location: 12p12.1.
Variant type: single nucleotide variant.
Coding change: c.961T>C on transcript NM_002907.4 (MANE Select); coding-DNA position 961, T replaced by C.
Protein change: p.Cys321Arg; replaces cysteine 321 with arginine.
Molecular consequence: missense variant.
Genome position (GRCh38, 1-based): chr12:21,475,813, A>G on the plus strand (T>C on the coding strand, the complement: RECQL is on the minus strand). VCF-style: chr12-21475813-A-G. GRCh37 (hg19) VCF-style: chr12-21628747-A-G.
Other names: c.961T>C, p.Cys321Arg (NM_032941.3); short protein forms C321R.
Identifiers: ClinVar variation 4824326 (VCV004824326.1).